The following is an entry in ClinVar:

ClinVar aggregate classification (germline): Uncertain significance. Review status: criteria provided, multiple submitters, no conflicts (2 of 4 stars). 3 submissions from 3 submitters: Uncertain significance (3). Last evaluated 2025-04-22.

Conditions:
Inborn genetic diseases. Identifiers: MedGen C0950123, MeSH D030342.
Developmental and epileptic encephalopathy. Identifiers: MedGen C5779964, MONDO:0100620.
Cerebellar atrophy with seizures and variable developmental delay. Identifiers: MedGen C5193132, MONDO:0032788, OMIM 618501.

Allele frequency attached by ClinVar (database versions not stated): ExAC 0.00001; gnomAD 0.00001; TOPMed 0.00002; gnomAD exomes 0.00001.
gnomAD v4.1: 17 of 1,613,178 alleles (0.0011%); highest among the groups gnomAD compares: African/African-American, 0.0027%; no homozygotes.

Submissions (3):

ARUP Laboratories, Molecular Genetics and Genomics, ARUP Laboratories
Classification: Uncertain significance for Cerebellar atrophy with seizures and variable developmental delay. Last evaluated: 2025-04-22. Review status: criteria provided, single submitter. Criteria: ARUP Molecular Germline Variant Investigation Process 2024. Collection method: clinical testing. Allele origin: germline.

Ambry Genetics
Classification: Uncertain significance for Inborn genetic diseases. Last evaluated: 2024-12-05. Review status: criteria provided, single submitter. Criteria: Ambry Variant Classification Scheme 2023. Collection method: clinical testing. Allele origin: germline.

Labcorp Genetics (formerly Invitae), Labcorp
Classification: Uncertain significance for Early-infantile DEE. Last evaluated: 2022-08-22. Review status: criteria provided, single submitter. Criteria: Invitae Variant Classification Sherloc (09022015). Collection method: clinical testing. Allele origin: germline.
Comment: This sequence change replaces tyrosine, which is neutral and polar, with cysteine, which is neutral and slightly polar, at codon 625 of the CACNA2D2 protein (p.Tyr625Cys). This variant is present in population databases (rs780181502, gnomAD 0.003%). This variant has not been reported in the literature in individuals affected with CACNA2D2-related conditions. ClinVar contains an entry for this variant (Variation ID: 1483446). Algorithms developed to predict the effect of missense changes on protein structure and function are either unavailable or do not agree on the potential impact of this missense change (SIFT: "Deleterious"; PolyPhen-2: "Probably Damaging"; Align-GVGD: "Class C0"). In summary, the available evidence is currently insufficient to determine the role of this variant in disease. Therefore, it has been classified as a Variant of Uncertain Significance.

NM_006030.4(CACNA2D2):c.1874A>G (p.Tyr625Cys)

Gene: CACNA2D2 (calcium voltage-gated channel auxiliary subunit alpha2delta 2; minus strand). Cytogenetic location: 3p21.31.
Variant type: single nucleotide variant.
Coding change: c.1874A>G on transcript NM_006030.4 (MANE Select); coding-DNA position 1874, A replaced by G.
Protein change: p.Tyr625Cys; replaces tyrosine 625 with cysteine.
Molecular consequence: missense variant.
Genome position (GRCh38, 1-based): chr3:50,375,677, T>C on the plus strand (A>G on the coding strand, the complement: CACNA2D2 is on the minus strand). VCF-style: chr3-50375677-T-C. GRCh37 (hg19) VCF-style: chr3-50413108-T-C.
Other names: c.1874A>G (NM_001174051.1); c.1874A>G, p.Tyr625Cys (NM_001005505.3, NM_001174051.3); c.1667A>G, p.Tyr556Cys (NM_001291101.1); short protein forms Y556C, Y625C.
Identifiers: ClinVar variation 1483446 (VCV001483446.8), dbSNP rs780181502, ClinGen allele CA2418691.